The following is an entry in ClinVar:

ClinVar aggregate classification (germline): Pathogenic (1 of 4 stars; one submission).

Conditions:
D-2-hydroxyglutaric aciduria 1 (D2HGA1). Identifiers: Orphanet 79315, MedGen C3152055, MONDO:0024554, OMIM 600721.

Allele frequency attached by ClinVar (database versions not stated): gnomAD exomes below 0.00001.

Submission:

Labcorp Genetics (formerly Invitae), Labcorp
Classification: Pathogenic for D-2-hydroxyglutaric aciduria 1. Last evaluated: 2022-10-28. Review status: criteria provided, single submitter. Criteria: Invitae Variant Classification Sherloc (09022015). Collection method: clinical testing. Allele origin: germline.
Comment: For these reasons, this variant has been classified as Pathogenic. This variant disrupts a region of the D2HGDH protein in which other variant(s) (p.Ala474Val) have been determined to be pathogenic (PMID: 30908763, 33431826; Invitae). This suggests that this is a clinically significant region of the protein, and that variants that disrupt it are likely to be disease-causing. ClinVar contains an entry for this variant (Variation ID: 1022469). This variant has not been reported in the literature in individuals affected with D2HGDH-related conditions. This variant is not present in population databases (gnomAD no frequency). This sequence change results in a frameshift in the D2HGDH gene (p.Thr465Argfs*215). While this is not anticipated to result in nonsense mediated decay, it is expected to disrupt the last 57 amino acid(s) of the D2HGDH protein and extend the protein by 157 additional amino acid residues.

Literature cited by the submitters: PubMed 30908763; PubMed 33431826.

NM_152783.5(D2HGDH):c.1393del (p.Thr465fs)

Gene: D2HGDH (D-2-hydroxyglutarate dehydrogenase; plus strand). Cytogenetic location: 2q37.3.
Variant type: Deletion.
Coding change: c.1393del on transcript NM_152783.5 (MANE Select); coding-DNA position 1393, one base deleted (A; older notation c.1393delA).
Protein change: p.Thr465fs; shifts the reading frame from threonine 465.
Molecular consequence: frameshift variant. On other transcripts: non-coding transcript variant (1).
Genome position (GRCh38, 1-based): chr2:241,767,796, A deleted. VCF-style (leftmost placement, unchanged base first): chr2-241767795-GA-G. GRCh37 (hg19) VCF-style: chr2-242707210-GA-G.
Other names: c.991del, p.Thr331fs (NM_001287249.2); c.832del, p.Thr278fs (NM_001352824.2); short protein forms T278fs, T331fs, T465fs.
Identifiers: ClinVar variation 1022469 (VCV001022469.8), dbSNP rs1699275754, ClinGen allele CA1339784341.